The following is an entry in ClinVar:

ClinVar aggregate classification (germline): Likely pathogenic. Review status: criteria provided, multiple submitters, no conflicts (2 of 4 stars). 2 submissions from 2 submitters: Likely pathogenic (2). Last evaluated 2023-03-09.

Conditions:
B3GAT3-related disorders.
Larsen-like syndrome, B3GAT3 type. Also called: MULTIPLE JOINT DISLOCATIONS, SHORT STATURE, AND CRANIOFACIAL DYSMORPHISM WITH OR WITHOUT CONGENITAL HEART DEFECTS; Multiple joint dislocations, short stature, craniofacial dysmorphism, with or without congenital heart defects. Identifiers: Orphanet 284139, MedGen CN034159, MONDO:0009511, OMIM 245600.

Allele frequency attached by ClinVar (database versions not stated): gnomAD 0.00001; gnomAD exomes 0.00001; TOPMed 0.00002.
gnomAD v4.1: 6 of 1,613,912 alleles (0.00037%); highest among the groups gnomAD compares: Non-Finnish European, 0.00051%; no homozygotes.

Submissions (2):

Labcorp Genetics (formerly Invitae), Labcorp
Classification: Likely pathogenic for Larsen-like syndrome, B3GAT3 type. Last evaluated: 2023-03-09. Review status: criteria provided, single submitter. Criteria: Invitae Variant Classification Sherloc (09022015). Collection method: clinical testing. Allele origin: germline.
Comment: In summary, the currently available evidence indicates that the variant is pathogenic, but additional data are needed to prove that conclusively. Therefore, this variant has been classified as Likely Pathogenic. Algorithms developed to predict the effect of sequence changes on RNA splicing suggest that this variant may disrupt the consensus splice site. ClinVar contains an entry for this variant (Variation ID: 1503077). This variant has not been reported in the literature in individuals affected with B3GAT3-related conditions. This variant is present in population databases (no rsID available, gnomAD 0.002%). This sequence change affects an acceptor splice site in intron 3 of the B3GAT3 gene. It is expected to disrupt RNA splicing. Variants that disrupt the donor or acceptor splice site typically lead to a loss of protein function (PMID: 16199547), and loss-of-function variants in B3GAT3 are known to be pathogenic (PMID: 25893793, 27871226).

Blueprint Genetics
Classification: Likely pathogenic for B3GAT3-related disorders. Last evaluated: 2019-08-27. Review status: criteria provided, single submitter. Criteria: ACMG Guidelines, 2015. Collection method: clinical testing. Allele origin: germline. Affected: yes. Observed: 2 variant alleles.

Literature cited by the submitters: PubMed 16199547 (cited by Labcorp Genetics (formerly Invitae), Labcorp); PubMed 25893793 (cited by Labcorp Genetics (formerly Invitae), Labcorp); PubMed 27871226 (cited by Labcorp Genetics (formerly Invitae), Labcorp).

NM_012200.4(B3GAT3):c.619-1G>A

Gene: B3GAT3 (beta-1,3-glucuronyltransferase 3; minus strand). Cytogenetic location: 11q12.3.
Variant type: single nucleotide variant.
Coding change: c.619-1G>A on transcript NM_012200.4 (MANE Select); the canonical splice acceptor site of the intron before coding-DNA position 619, G replaced by A.
Molecular consequence: splice acceptor variant.
Genome position (GRCh38, 1-based): chr11:62,616,797, C>T on the plus strand (G>A on the coding strand, the complement: B3GAT3 is on the minus strand). VCF-style: chr11-62616797-C-T. GRCh37 (hg19) VCF-style: chr11-62384269-C-T.
Other names: c.619-1G>A (NM_001288722.2, NM_001288723.2); c.598-1G>A (NM_001288721.2).
Identifiers: ClinVar variation 1503077 (VCV001503077.7), dbSNP rs895774521, ClinGen allele CA223038697.